The following is an entry in ClinVar:

ClinVar aggregate classification (germline): Uncertain significance (1 of 4 stars; one submission).

Conditions:
Developmental and epileptic encephalopathy, 33 (DEE33). Also called: Epileptic encephalopathy, early infantile, 33. Identifiers: Orphanet 442835, MedGen C4225337, MONDO:0014625, OMIM 616409.

Submission:

Labcorp Genetics (formerly Invitae), Labcorp
Classification: Uncertain significance for Developmental and epileptic encephalopathy, 33. Last evaluated: 2024-05-10. Review status: criteria provided, single submitter. Criteria: Invitae Variant Classification Sherloc (09022015). Collection method: clinical testing. Allele origin: germline.
Comment: This sequence change replaces serine, which is neutral and polar, with alanine, which is neutral and non-polar, at codon 157 of the EEF1A2 protein (p.Ser157Ala). This variant is not present in population databases (gnomAD no frequency). This variant has not been reported in the literature in individuals affected with EEF1A2-related conditions. Advanced modeling of protein sequence and biophysical properties (such as structural, functional, and spatial information, amino acid conservation, physicochemical variation, residue mobility, and thermodynamic stability) performed at Invitae indicates that this missense variant is not expected to disrupt EEF1A2 protein function with a negative predictive value of 80%. In summary, the available evidence is currently insufficient to determine the role of this variant in disease. Therefore, it has been classified as a Variant of Uncertain Significance.

NM_001958.5(EEF1A2):c.469T>G (p.Ser157Ala)

Genes: EEF1A2 (eukaryotic translation elongation factor 1 alpha 2; minus strand), LOC132090595 (Neanderthal introgressed variant-containing enhancer experimental_60987; plus strand). Cytogenetic location: 20q13.33.
Variant type: single nucleotide variant.
Coding change: c.469T>G on transcript NM_001958.5 (MANE Select); coding-DNA position 469, T replaced by G.
Protein change: p.Ser157Ala; replaces serine 157 with alanine.
Molecular consequence: missense variant.
Genome position (GRCh38, 1-based): chr20:63,494,957, A>C on the plus strand (T>G on the coding strand, the complement: EEF1A2 is on the minus strand). VCF-style: chr20-63494957-A-C. GRCh37 (hg19) VCF-style: chr20-62126310-A-C.
Other names: short protein forms S157A.
Identifiers: ClinVar variation 3652877 (VCV003652877.2).